The following is an entry in ClinVar:

NM_000048.4(ASL):c.425_426insAGCTCCCAGCT (p.Met143fs)

Gene: ASL (argininosuccinate lyase; plus strand). Cytogenetic location: 7q11.21.
Variant type: Insertion.
Coding change: c.425_426insAGCTCCCAGCT on transcript NM_000048.4 (MANE Select); coding-DNA positions 425 to 426, AGCTCCCAGCT inserted.
Protein change: p.Met143fs; shifts the reading frame from methionine 143.
Molecular consequence: frameshift variant.
Genome position: GRCh38 VCF-style: chr7-66083153-C-CAGCTCCCAGCT. GRCh37 (hg19) VCF-style: chr7-65548140-C-CAGCTCCCAGCT.
Other names: c.425_426insAGCTCCCAGCT (NM_000048.3); c.425_426insAGCTCCCAGCT, p.Met143fs (NM_001024943.2, NM_001024944.2, NM_001024946.2); short protein forms M143fs.
Identifiers: ClinVar variation 2191291 (VCV002191291.10), dbSNP rs1457607996, ClinGen allele CA841266141.

ClinVar aggregate classification (germline): Pathogenic/Likely pathogenic. Review status: criteria provided, multiple submitters, no conflicts (2 of 4 stars). 6 submissions from 6 submitters: Pathogenic (4); Likely pathogenic (2). Last evaluated 2024-07-07.

Conditions:
Argininosuccinate lyase deficiency. Also called: ARGININOSUCCINIC ACID LYASE DEFICIENCY; ASL DEFICIENCY; Argininosuccinic aciduria. Identifiers: Orphanet 23, MedGen C0268547, MONDO:0008815, OMIM 207900, HP:0025630.
ASL-related disorder. Also called: ASL-related condition.

Allele frequency attached by ClinVar (database versions not stated): TOPMed below 0.00001; gnomAD 0.00001.

Submissions (6):

Natera, Inc.
Classification: Pathogenic for Argininosuccinate lyase deficiency. Last evaluated: 2024-07-07. Review status: criteria provided, single submitter. Criteria: Natera Variant Classification Schema (03/2026). Collection method: clinical testing. Allele origin: germline.
Comment: The c.425_426insAGCTCCCAGCT variant in ASL is a frameshift variant predicted to shift the reading frame beginning at codon 143 and leads to a stop codon 36 codons downstream. This variant is expected to result in nonsense mediated decay, truncation, or a dysfunctional protein product. This variant is rare in the general population with a frequency below the threshold expected for the associated phenotype(s). This variant has been observed in one or more individuals affected with the associated recessive disease, as either homozygous or compound heterozygous with a second variant (PMID: 31515792). Given the available evidence, this variant is classified as Pathogenic.

Fulgent Genetics
Classification: Pathogenic for Argininosuccinate lyase deficiency. Last evaluated: 2024-01-16. Review status: criteria provided, single submitter. Criteria: ACMG Guidelines, 2015. Collection method: clinical testing. Allele origin: germline.

Labcorp Genetics (formerly Invitae), Labcorp
Classification: Pathogenic for Argininosuccinate lyase deficiency. Last evaluated: 2023-10-04. Review status: criteria provided, single submitter. Criteria: Invitae Variant Classification Sherloc (09022015). Collection method: clinical testing. Allele origin: germline.
Comment: This sequence change creates a premature translational stop signal (p.Met143Alafs*36) in the ASL gene. It is expected to result in an absent or disrupted protein product. Loss-of-function variants in ASL are known to be pathogenic (PMID: 2263616, 24166829). This variant is not present in population databases (gnomAD no frequency). This premature translational stop signal has been observed in individual(s) with clinical features of argininosuccinate lyase deficiency (PMID: 31515792). ClinVar contains an entry for this variant (Variation ID: 2191291). For these reasons, this variant has been classified as Pathogenic.

Baylor Genetics
Classification: Pathogenic for Argininosuccinate lyase deficiency. Last evaluated: 2023-06-20. Review status: criteria provided, single submitter. Criteria: ACMG Guidelines, 2015. Collection method: clinical testing. Allele origin: unknown.

Blueprint Genetics
Classification: Likely pathogenic for ASL-related disorders. Last evaluated: 2022-09-14. Review status: criteria provided, single submitter. Criteria: ACMG Guidelines, 2015. Collection method: clinical testing. Allele origin: germline. Affected: yes. Observed: 2 variant alleles.

Juno Genomics, Hangzhou Juno Genomics, Inc
Classification: Likely pathogenic for Argininosuccinate lyase deficiency. Review status: criteria provided, single submitter. Criteria: ACMG Guidelines, 2015. Collection method: clinical testing. Allele origin: germline.
Comment: Null variant in a gene where loss of function (LOF) is a known mechanism of disease.;Absent from controls (or at extremely low frequency if recessive) in Genome Aggregation Database.

Literature cited by the submitters: PubMed 31515792 (cited by Natera, Inc. and Labcorp Genetics (formerly Invitae), Labcorp); PubMed 2263616 (cited by Labcorp Genetics (formerly Invitae), Labcorp); PubMed 24166829 (cited by Labcorp Genetics (formerly Invitae), Labcorp).